The following is an entry in ClinVar:

NM_000093.5(COL5A1):c.1077G>A (p.Glu359=)

Gene: COL5A1 (collagen type V alpha 1 chain; plus strand). Cytogenetic location: 9q34.3.
Variant type: single nucleotide variant.
Coding change: c.1077G>A on transcript NM_000093.5 (MANE Select); coding-DNA position 1077, G replaced by A.
Protein change: p.Glu359=; no amino-acid change (glutamic acid 359 retained).
Molecular consequence: synonymous variant.
Genome position (GRCh38, 1-based): chr9:134,730,388, G>A. VCF-style: chr9-134730388-G-A. GRCh37 (hg19) VCF-style: chr9-137622234-G-A.
Other names: p.E359E:GAG>GAA; p.Glu359=; c.1077G>A, p.Glu359= (NM_001278074.1).
Identifiers: ClinVar variation 212925 (VCV000212925.51), dbSNP rs201166370, ClinGen allele CA324040.

ClinVar aggregate classification (germline): Benign/Likely benign. Review status: criteria provided, multiple submitters, no conflicts (2 of 4 stars). 13 submissions from 12 submitters: Benign (9); Likely benign (4). Last evaluated 2026-01-27.

Conditions:
Fibromuscular dysplasia, multifocal. Identifiers: MedGen C5543412, MONDO:0859151, OMIM 619329.
Ehlers-Danlos syndrome (EDS). Identifiers: Orphanet 98249, MedGen C0013720, MONDO:0020066.
Familial thoracic aortic aneurysm and aortic dissection (TAAD). Also called: Thoracic aortic aneurysms and dissections. Identifiers: Orphanet 91387, MedGen C4707243, MONDO:0019625.
Ehlers-Danlos syndrome, classic type, 1 (EDSCL1). Also called: EHLERS-DANLOS SYNDROME, GRAVIS TYPE; EHLERS-DANLOS SYNDROME, SEVERE CLASSIC TYPE; Ehlers-Danlos syndrome, type 1; Ehlers-Danlos Syndrome, Classic Type, COL5A1-Related; EDS I. Identifiers: MedGen C0268335, MONDO:0019567, OMIM 130000.
Ehlers-Danlos syndrome, classic type (cEDS). Identifiers: Orphanet 287, MedGen C4225429, MONDO:0007522.

Allele frequency attached by ClinVar (database versions not stated): ESP Exome Variant Server 0.00008; TOPMed 0.00029; 1000 Genomes Project 30x 0.00078; 1000 Genomes Project 0.00100; gnomAD 0.00123 and 0.00124; gnomAD exomes 0.00136; ExAC 0.00146.
gnomAD v4.1: 1,133 of 1,614,216 alleles (0.07%); highest among the groups gnomAD compares: East Asian, 0.19%; 2 homozygotes.

Submissions (13):

Labcorp Genetics (formerly Invitae), Labcorp
Classification: Benign for Ehlers-Danlos syndrome, classic type, 1. Last evaluated: 2026-01-27. Review status: criteria provided, single submitter. Criteria: Invitae Variant Classification Sherloc (09022015). Collection method: clinical testing. Allele origin: germline.

Blueprint Genetics
Classification: Likely benign. Last evaluated: 2024-11-26. Review status: criteria provided, single submitter. Criteria: ACMG Guidelines, 2015. Collection method: clinical testing. Allele origin: germline.

Mayo Clinic Laboratories, Mayo Clinic
Classification: Benign. Last evaluated: 2024-11-25. Review status: criteria provided, single submitter. Criteria: ACMG Guidelines, 2015. Collection method: clinical testing. Allele origin: germline. Observed: 2 variant alleles.
Comment: BS1, BS2, BP4, BP7

Women's Health and Genetics/Laboratory Corporation of America, LabCorp
Classification: Benign. Last evaluated: 2024-08-03. Review status: criteria provided, single submitter. Criteria: LabCorp Variant Classification Summary - May 2015. Collection method: clinical testing. Allele origin: germline.

CeGaT Center for Human Genetics Tuebingen
Classification: Likely benign. Last evaluated: 2024-03-01. Review status: criteria provided, single submitter. Criteria: CeGaT Center For Human Genetics Tuebingen Variant Classification Criteria Version 2. Collection method: clinical testing. Allele origin: germline. Affected: yes. Observed: 1 variant allele.
Comment: COL5A1: BP4, BP7, BS1

ARUP Laboratories, Molecular Genetics and Genomics, ARUP Laboratories
Classification: Benign. Last evaluated: 2023-12-14. Review status: criteria provided, single submitter. Criteria: ARUP Molecular Germline Variant Investigation Process 2024. Collection method: clinical testing. Allele origin: germline.

Genome-Nilou Lab
Classification: Benign for Ehlers-Danlos syndrome, classic type, 1. Last evaluated: 2022-03-15. Review status: criteria provided, single submitter. Criteria: ACMG Guidelines, 2015. Collection method: clinical testing. Allele origin: germline. Affected: no.

Genome-Nilou Lab
Classification: Benign for Fibromuscular dysplasia, multifocal. Last evaluated: 2022-03-15. Review status: criteria provided, single submitter. Criteria: ACMG Guidelines, 2015. Collection method: clinical testing. Allele origin: germline. Affected: no.

Genome Diagnostics Laboratory, The Hospital for Sick Children
Classification: Likely benign for Ehlers-Danlos syndrome. Last evaluated: 2021-10-19. Review status: criteria provided, single submitter. Criteria: ACMG Guidelines, 2015. Collection method: clinical testing. Allele origin: germline.

Illumina Laboratory Services, Illumina
Classification: Benign for Ehlers-Danlos syndrome, classic type, 1. Last evaluated: 2018-01-12. Review status: criteria provided, single submitter. Criteria: ICSL Variant Classification Criteria 13 December 2019. Collection method: clinical testing. Allele origin: germline.
Comment: This variant was observed in the ICSL laboratory as part of a predisposition screen in an ostensibly healthy population. It had not been previously curated by ICSL or reported in the Human Gene Mutation Database (HGMD: prior to June 1st, 2018), and was therefore a candidate for classification through an automated scoring system. Utilizing variant allele frequency, disease prevalence and penetrance estimates, and inheritance mode, an automated score was calculated to assess if this variant is too frequent to cause the disease. Based on the score and internal cut-off values, a variant classified as benign is not then subjected to further curation. The score for this variant resulted in a classification of benign for this disease.

Ambry Genetics
Classification: Likely benign for Familial thoracic aortic aneurysm and aortic dissection. Last evaluated: 2017-01-12. Review status: criteria provided, single submitter. Criteria: Ambry Variant Classification Scheme 2023. Collection method: clinical testing. Allele origin: germline.

Eurofins Ntd Llc (ga)
Classification: Benign. Last evaluated: 2015-10-14. Review status: criteria provided, single submitter. Criteria: EGL Classification Definitions 2015. Collection method: clinical testing. Allele origin: germline. Observed: 1 variant allele, 1 heterozygote.

GeneDx
Classification: Benign. Last evaluated: 2015-04-09. Review status: criteria provided, single submitter. Criteria: GeneDx Variant Classification (06012015). Collection method: clinical testing. Allele origin: germline. Affected: yes.
Comment: This variant is considered likely benign or benign based on one or more of the following criteria: it is a conservative change, it occurs at a poorly conserved position in the protein, it is predicted to be benign by multiple in silico algorithms, and/or has population frequency not consistent with disease.